The following is an entry in ClinVar:

NM_006642.5(SDCCAG8):c.1790C>A (p.Thr597Lys)

Gene: SDCCAG8 (SHH signaling and ciliogenesis regulator SDCCAG8; plus strand). Cytogenetic location: 1q43.
Variant type: single nucleotide variant.
Coding change: c.1790C>A on transcript NM_006642.5 (MANE Select); coding-DNA position 1790, C replaced by A.
Protein change: p.Thr597Lys; replaces threonine 597 with lysine.
Molecular consequence: missense variant.
Genome position (GRCh38, 1-based): chr1:243,418,013, C>A. VCF-style: chr1-243418013-C-A. GRCh37 (hg19) VCF-style: chr1-243581315-C-A.
Other names: c.1496C>A, p.Thr499Lys (NM_001350249.2); c.887C>A, p.Thr296Lys (NM_001350251.2, NM_001350246.2, NM_001350247.2); c.1886C>A, p.Thr629Lys (NM_001350248.2); c.1790C>A (NM_006642.3); short protein forms T296K, T499K, T597K, T629K.
Identifiers: ClinVar variation 1339329 (VCV001339329.8), dbSNP rs372641187, ClinGen allele CA1483740.

ClinVar aggregate classification (germline): Uncertain significance. Review status: criteria provided, multiple submitters, no conflicts (2 of 4 stars). 4 submissions from 4 submitters: Uncertain significance (4). Last evaluated 2023-03-07.

Conditions:
Bardet-Biedl syndrome 16 (BBS16). Identifiers: Orphanet 110, MedGen C3889474, MONDO:0014444, OMIM 615993.
Senior-Loken syndrome 7 (SLSN7). Identifiers: Orphanet 3156, MedGen C3150877, MONDO:0013326, OMIM 613615.
Inborn genetic diseases. Identifiers: MedGen C0950123, MeSH D030342.

Allele frequency attached by ClinVar (database versions not stated): gnomAD 0.00001; gnomAD exomes 0.00002 and 0.00006; ESP Exome Variant Server 0.00008; ExAC 0.00009.
gnomAD v4.1: 25 of 1,612,738 alleles (0.0016%); highest among the groups gnomAD compares: South Asian, 0.022%; no homozygotes.

Submissions (4):

Ambry Genetics
Classification: Uncertain significance for Inborn genetic diseases. Last evaluated: 2023-03-07. Review status: criteria provided, single submitter. Criteria: Ambry Variant Classification Scheme 2023. Collection method: clinical testing. Allele origin: germline.

Labcorp Genetics (formerly Invitae), Labcorp
Classification: Uncertain significance for Bardet-Biedl syndrome 16; Senior-Loken syndrome 7. Last evaluated: 2022-07-12. Review status: criteria provided, single submitter. Criteria: Invitae Variant Classification Sherloc (09022015). Collection method: clinical testing. Allele origin: germline.
Comment: This sequence change replaces threonine, which is neutral and polar, with lysine, which is basic and polar, at codon 597 of the SDCCAG8 protein (p.Thr597Lys). This variant is present in population databases (rs372641187, gnomAD 0.03%). This variant has not been reported in the literature in individuals affected with SDCCAG8-related conditions. ClinVar contains an entry for this variant (Variation ID: 1339329). Algorithms developed to predict the effect of missense changes on protein structure and function (SIFT, PolyPhen-2, Align-GVGD) all suggest that this variant is likely to be tolerated. In summary, the available evidence is currently insufficient to determine the role of this variant in disease. Therefore, it has been classified as a Variant of Uncertain Significance.

Revvity Omics, Revvity
Classification: Uncertain significance. Last evaluated: 2020-03-10. Review status: criteria provided, single submitter. Criteria: ACMG Guidelines, 2015. Collection method: clinical testing. Allele origin: germline.

Molecular Endocrinology Laboratory, Christian Medical College
Classification: Uncertain significance for Bardet-Biedl syndrome 16. Review status: criteria provided, single submitter. Criteria: ACMG Guidelines, 2015. Collection method: clinical testing. Allele origin: germline. Affected: yes.